The following is an entry in ClinVar:

ClinVar aggregate classification (germline): Uncertain significance. Review status: criteria provided, multiple submitters, no conflicts (2 of 4 stars). 2 submissions from 2 submitters: Uncertain significance (2). Last evaluated 2024-08-30.

Allele frequency attached by ClinVar (database versions not stated): gnomAD 0.00001; gnomAD exomes 0.00001; ExAC 0.00002; TOPMed 0.00002.
gnomAD v4.1: 19 of 1,612,624 alleles (0.0012%); highest among the groups gnomAD compares: African/African-American, 0.0013%; no homozygotes.

Submissions (2):

Blueprint Genetics
Classification: Uncertain significance. Last evaluated: 2024-08-30. Review status: criteria provided, single submitter. Criteria: ACMG Guidelines, 2015. Collection method: clinical testing. Allele origin: germline.

Labcorp Genetics (formerly Invitae), Labcorp
Classification: Uncertain significance. Last evaluated: 2022-04-09. Review status: criteria provided, single submitter. Criteria: Invitae Variant Classification Sherloc (09022015). Collection method: clinical testing. Allele origin: germline.
Comment: This sequence change replaces arginine, which is basic and polar, with histidine, which is basic and polar, at codon 604 of the SAMD11 protein (p.Arg604His). This variant is present in population databases (rs762012760, gnomAD 0.007%). This variant has not been reported in the literature in individuals affected with SAMD11-related conditions. Algorithms developed to predict the effect of missense changes on protein structure and function are either unavailable or do not agree on the potential impact of this missense change (SIFT: "Deleterious"; PolyPhen-2: "Probably Damaging"; Align-GVGD: "Class C0"). In summary, the available evidence is currently insufficient to determine the role of this variant in disease. Therefore, it has been classified as a Variant of Uncertain Significance.

NM_001385641.1(SAMD11):c.2300G>A (p.Arg767His)

Gene: SAMD11 (sterile alpha motif domain containing 11; plus strand). Cytogenetic location: 1p36.33.
Variant type: single nucleotide variant.
Coding change: c.2300G>A on transcript NM_001385641.1 (MANE Select); coding-DNA position 2300, G replaced by A.
Protein change: p.Arg767His; replaces arginine 767 with histidine.
Molecular consequence: missense variant.
Genome position (GRCh38, 1-based): chr1:943,918, G>A. VCF-style: chr1-943918-G-A. GRCh37 (hg19) VCF-style: chr1-879298-G-A.
Other names: c.2303G>A, p.Arg768His (NM_001385640.1); c.1811G>A, p.Arg604His (NM_152486.4); short protein forms R604H, R767H, R768H.
Identifiers: ClinVar variation 2059866 (VCV002059866.2), dbSNP rs762012760, ClinGen allele CA503327.